The following is an entry in ClinVar:

ClinVar aggregate classification (germline): Uncertain significance. Review status: criteria provided, multiple submitters, no conflicts (2 of 4 stars). 2 submissions from 2 submitters: Uncertain significance (2). Last evaluated 2025-01-18.

Allele frequency attached by ClinVar (database versions not stated): ExAC 0.00003; gnomAD 0.00003 and 0.00004; gnomAD exomes 0.00004; TOPMed 0.00007.
gnomAD v4.1: 74 of 1,612,774 alleles (0.0046%); highest among the groups gnomAD compares: East Asian, 0.045%; no homozygotes.

Submissions (2):

Labcorp Genetics (formerly Invitae), Labcorp
Classification: Uncertain significance. Last evaluated: 2025-01-18. Review status: criteria provided, single submitter. Criteria: Invitae Variant Classification Sherloc (09022015). Collection method: clinical testing. Allele origin: germline.
Comment: This sequence change affects codon 606 of the COL11A2 mRNA. It is a 'silent' change, meaning that it does not change the encoded amino acid sequence of the COL11A2 protein. This variant also falls at the last nucleotide of exon 20, which is part of the consensus splice site for this exon. This variant is present in population databases (rs759121761, gnomAD 0.02%). This variant has not been reported in the literature in individuals affected with COL11A2-related conditions. ClinVar contains an entry for this variant (Variation ID: 1303400). Variants that disrupt the consensus splice site are a relatively common cause of aberrant splicing (PMID: 17576681, 9536098). Algorithms developed to predict the effect of sequence changes on RNA splicing suggest that this variant is not likely to affect RNA splicing. In summary, the available evidence is currently insufficient to determine the role of this variant in disease. Therefore, it has been classified as a Variant of Uncertain Significance.

GeneDx
Classification: Uncertain significance. Last evaluated: 2019-04-24. Review status: criteria provided, single submitter. Criteria: GeneDx Variant Classification Process June 2021. Collection method: clinical testing. Allele origin: germline. Affected: yes.
Comment: Has not been previously published as pathogenic or benign to our knowledge; In-silico analysis, which includes splice predictors and evolutionary conservation, is inconclusive as to whether the variant alters gene splicing. In the absence of RNA/functional studies, the actual effect of this sequence change is unknown.

Literature cited by the submitters: PubMed 17576681 (cited by Labcorp Genetics (formerly Invitae), Labcorp); PubMed 9536098 (cited by Labcorp Genetics (formerly Invitae), Labcorp).

NM_080680.3(COL11A2):c.1818G>A (p.Ser606=)

Gene: COL11A2 (collagen type XI alpha 2 chain; minus strand). Cytogenetic location: 6p21.32.
Variant type: single nucleotide variant.
Coding change: c.1818G>A on transcript NM_080680.3 (MANE Select); coding-DNA position 1818, G replaced by A.
Protein change: p.Ser606=; no amino-acid change (serine 606 retained).
Molecular consequence: synonymous variant.
Genome position (GRCh38, 1-based): chr6:33,178,308, C>T on the plus strand (G>A on the coding strand, the complement: COL11A2 is on the minus strand). VCF-style: chr6-33178308-C-T. GRCh37 (hg19) VCF-style: chr6-33146085-C-T.
Other names: c.1497G>A, p.Ser499= (NM_080679.3); c.1560G>A, p.Ser520= (NM_080681.3).
Identifiers: ClinVar variation 1303400 (VCV001303400.5), dbSNP rs759121761, ClinGen allele CA3751197.